The following is an entry in ClinVar:

NM_006231.4(POLE):c.1708C>A (p.Leu570Met)

Gene: POLE (DNA polymerase epsilon, catalytic subunit; minus strand). Cytogenetic location: 12q24.33.
Variant type: single nucleotide variant.
Coding change: c.1708C>A on transcript NM_006231.4 (MANE Select); coding-DNA position 1708, C replaced by A.
Protein change: p.Leu570Met; replaces leucine 570 with methionine.
Molecular consequence: missense variant.
Genome position (GRCh38, 1-based): chr12:132,672,301, G>T on the plus strand (C>A on the coding strand, the complement: POLE is on the minus strand). VCF-style: chr12-132672301-G-T. GRCh37 (hg19) VCF-style: chr12-133248887-G-T.
Other names: short protein forms L570M.
Identifiers: ClinVar variation 405767 (VCV000405767.9), dbSNP rs748807227, ClinGen allele CA16613718.

ClinVar aggregate classification (germline): Uncertain significance. Review status: criteria provided, multiple submitters, no conflicts (2 of 4 stars). 4 submissions from 4 submitters: Uncertain significance (4). Last evaluated 2025-05-11.

Conditions:
Hereditary cancer-predisposing syndrome. Also called: Hereditary Cancer Syndrome; Hereditary neoplastic syndrome; Neoplastic Syndromes, Hereditary; Tumor predisposition. Identifiers: Orphanet 140162, MedGen C0027672, MeSH D009386, MONDO:0015356.
Facial dysmorphism-immunodeficiency-livedo-short stature syndrome. Also called: Facial dysmorphism, immunodeficiency, livedo, and short stature; FILS syndrome. Identifiers: Orphanet 352712, MedGen C3554576, MONDO:0014058, OMIM 615139.
Colorectal cancer, susceptibility to, 12 (CRCS12). Also called: COLORECTAL CANCER, SUSCEPTIBILITY TO, ON CHROMOSOME 12q24. Identifiers: Orphanet 220460, MedGen C3554460, MONDO:0014038, OMIM 615083.
Intrauterine growth retardation, metaphyseal dysplasia, adrenal hypoplasia congenita, genital anomalies, and immunodeficiency. Also called: IMAGEI SYNDROME. Identifiers: MedGen C5193036, MONDO:0032684, OMIM 618336.

Allele frequency attached by ClinVar (database versions not stated): gnomAD exomes below 0.00001.
gnomAD v4.1: 2 of 1,614,194 alleles (0.00012%); highest among the groups gnomAD compares: South Asian, 0.0011%; no homozygotes.

Submissions (4):

Labcorp Genetics (formerly Invitae), Labcorp
Classification: Uncertain significance. Last evaluated: 2025-05-11. Review status: criteria provided, single submitter. Criteria: Invitae Variant Classification Sherloc (09022015). Collection method: clinical testing. Allele origin: germline.
Comment: This sequence change replaces leucine, which is neutral and non-polar, with methionine, which is neutral and non-polar, at codon 570 of the POLE protein (p.Leu570Met). This variant is present in population databases (no rsID available, gnomAD 0.0009%). This variant has not been reported in the literature in individuals affected with POLE-related conditions. ClinVar contains an entry for this variant (Variation ID: 405767). Invitae Evidence Modeling of protein sequence and biophysical properties (such as structural, functional, and spatial information, amino acid conservation, physicochemical variation, residue mobility, and thermodynamic stability) indicates that this missense variant is expected to disrupt POLE protein function with a positive predictive value of 80%. In summary, the available evidence is currently insufficient to determine the role of this variant in disease. Therefore, it has been classified as a Variant of Uncertain Significance.

Ambry Genetics
Classification: Uncertain significance for Hereditary cancer-predisposing syndrome. Last evaluated: 2025-04-09. Review status: criteria provided, single submitter. Criteria: Ambry Variant Classification Scheme 2023. Collection method: clinical testing. Allele origin: germline.
Comment: The p.L570M variant (also known as c.1708C>A), located in coding exon 16 of the POLE gene, results from a C to A substitution at nucleotide position 1708. The leucine at codon 570 is replaced by methionine, an amino acid with highly similar properties. This amino acid position is highly conserved in available vertebrate species. In addition, this alteration is predicted to be tolerated by in silico analysis. Based on the available evidence, the clinical significance of this variant remains unclear.

Fulgent Genetics
Classification: Uncertain significance for Colorectal cancer, susceptibility to, 12; Facial dysmorphism-immunodeficiency-livedo-short stature syndrome; Intrauterine growth retardation, metaphyseal dysplasia, adrenal hypoplasia congenita, genital anomalies, and immunodeficiency. Last evaluated: 2024-04-16. Review status: criteria provided, single submitter. Criteria: ACMG Guidelines, 2015. Collection method: clinical testing. Allele origin: germline.

GeneDx
Classification: Uncertain significance. Last evaluated: 2023-06-13. Review status: criteria provided, single submitter. Criteria: GeneDx Variant Classification Process June 2021. Collection method: clinical testing. Allele origin: germline. Affected: yes.
Comment: Not observed at significant frequency in large population cohorts (gnomAD); In silico analysis supports that this missense variant does not alter protein structure/function; Has not been previously published as pathogenic or benign to our knowledge; This variant is associated with the following publications: (PMID: 20951805)